The following is an entry in ClinVar:

NM_015425.6(POLR1A):c.4160G>A (p.Arg1387Gln)

Gene: POLR1A (RNA polymerase I subunit A; minus strand). Cytogenetic location: 2p11.2.
Variant type: single nucleotide variant.
Coding change: c.4160G>A on transcript NM_015425.6 (MANE Select); coding-DNA position 4160, G replaced by A.
Protein change: p.Arg1387Gln; replaces arginine 1387 with glutamine.
Molecular consequence: missense variant.
Genome position (GRCh38, 1-based): chr2:86,033,662, C>T on the plus strand (G>A on the coding strand, the complement: POLR1A is on the minus strand). VCF-style: chr2-86033662-C-T. GRCh37 (hg19) VCF-style: chr2-86260785-C-T.
Other names: c.4160G>A (NM_015425.4); short protein forms R1387Q.
Identifiers: ClinVar variation 1168842 (VCV001168842.14), dbSNP rs78239085, ClinGen allele CA1745579.
Genomic context (GRCh38, chr2:86,033,662, plus strand): 5'-CCTGCCCAGTCTGGGGGCTGTCCCTGTGCAACTCTAGTGACCCCCGGGGACTCACTCACC[C>T]GACTCCTCCCCAACTCCCCAGCGTTGTCCAGATCCCGCTGTGTAGCTCTTCGAGTGTTTA-3'
Protein context (NP_056240.2, residues 1377-1397): LDNAGELGRS[Arg1387Gln]GEQEGDEEEE

ClinVar aggregate classification (germline): Benign. Review status: criteria provided, multiple submitters, no conflicts (2 of 4 stars). 4 submissions from 4 submitters: Benign (3). 1 of the submissions does not count toward it. Last evaluated 2026-02-01.

Conditions:
POLR1A-related disorder. Also called: POLR1A-related condition.

Allele frequency attached by ClinVar (database versions not stated): ESP Exome Variant Server 0.00578; TOPMed 0.00846; gnomAD 0.00928 and 0.01121; gnomAD exomes 0.01214 and 0.01752; ExAC 0.01755; 1000 Genomes Project 30x 0.02795; 1000 Genomes Project 0.03015.
gnomAD v4.1: 19,521 of 1,613,004 alleles (1.2%); highest among the groups gnomAD compares: East Asian, 12%; 445 homozygotes.

Submissions (4):

Labcorp Genetics (formerly Invitae), Labcorp
Classification: Benign. Last evaluated: 2026-02-01. Review status: criteria provided, single submitter. Criteria: Invitae Variant Classification Sherloc (09022015). Collection method: clinical testing. Allele origin: germline.

GeneDx
Classification: Benign. Last evaluated: 2021-05-05. Review status: criteria provided, single submitter. Criteria: GeneDx Variant Classification Process June 2021. Collection method: clinical testing. Allele origin: germline. Affected: yes.

Breakthrough Genomics
Classification: Benign. Review status: criteria provided, single submitter. Criteria: ACMG Guidelines, 2015. Collection method: not provided. Allele origin: germline. Inheritance: Autosomal dominant inheritance. Affected: yes.

PreventionGenetics, part of Exact Sciences
Classification: Benign for POLR1A-related condition. Last evaluated: 2019-09-04. Review status: no assertion criteria provided. Collection method: clinical testing. Allele origin: germline. Not counted in ClinVar's aggregate classification.
Comment: This variant is classified as benign based on ACMG/AMP sequence variant interpretation guidelines (Richards et al. 2015 PMID: 25741868, with internal and published modifications).